The following is an entry in ClinVar:

ClinVar aggregate classification (germline): Uncertain significance. Review status: criteria provided, multiple submitters, no conflicts (2 of 4 stars). 2 submissions from 2 submitters: Uncertain significance (2). Last evaluated 2022-03-06.

Conditions:
Hereditary cancer-predisposing syndrome. Also called: Neoplastic Syndromes, Hereditary; Hereditary neoplastic syndrome; Tumor predisposition; Hereditary Cancer Syndrome. Identifiers: Orphanet 140162, MedGen C0027672, MeSH D009386, MONDO:0015356.
Oligodontia-cancer predisposition syndrome. Also called: TOOTH AGENESIS-COLORECTAL CANCER SYNDROME. Identifiers: Orphanet 300576, MedGen C1837750, MONDO:0012075, OMIM 608615. Disease mechanism: loss of function.

Allele frequency attached by ClinVar (database versions not stated): gnomAD exomes below 0.00001.
gnomAD v4.1: 2 of 1,613,366 alleles (0.00012%); highest among the groups gnomAD compares: African/African-American, 0.0013%; no homozygotes.

Submissions (2):

Labcorp Genetics (formerly Invitae), Labcorp
Classification: Uncertain significance for Oligodontia-cancer predisposition syndrome. Last evaluated: 2022-03-06. Review status: criteria provided, single submitter. Criteria: Invitae Variant Classification Sherloc (09022015). Collection method: clinical testing. Allele origin: germline.
Comment: This sequence change replaces proline, which is neutral and non-polar, with alanine, which is neutral and non-polar, at codon 38 of the AXIN2 protein (p.Pro38Ala). This variant is not present in population databases (gnomAD no frequency). This variant has not been reported in the literature in individuals affected with AXIN2-related conditions. ClinVar contains an entry for this variant (Variation ID: 239977). Algorithms developed to predict the effect of missense changes on protein structure and function output the following: SIFT: "Tolerated"; PolyPhen-2: "Benign"; Align-GVGD: "Class C0". The alanine amino acid residue is found in multiple mammalian species, which suggests that this missense change does not adversely affect protein function. In summary, the available evidence is currently insufficient to determine the role of this variant in disease. Therefore, it has been classified as a Variant of Uncertain Significance.

Ambry Genetics
Classification: Uncertain significance for Hereditary cancer-predisposing syndrome. Last evaluated: 2021-09-02. Review status: criteria provided, single submitter. Criteria: Ambry Variant Classification Scheme 2023. Collection method: clinical testing. Allele origin: germline.
Comment: The p.P38A variant (also known as c.112C>G), located in coding exon 1 of the AXIN2 gene, results from a C to G substitution at nucleotide position 112. The proline at codon 38 is replaced by alanine, an amino acid with highly similar properties. This amino acid position is conserved. In addition, this alteration is predicted to be tolerated by in silico analysis. Since supporting evidence is limited at this time, the clinical significance of this alteration remains unclear.

NM_004655.4(AXIN2):c.112C>G (p.Pro38Ala)

Gene: AXIN2 (axin 2; minus strand). Cytogenetic location: 17q24.1.
Variant type: single nucleotide variant.
Coding change: c.112C>G on transcript NM_004655.4 (MANE Select); coding-DNA position 112, C replaced by G.
Protein change: p.Pro38Ala; replaces proline 38 with alanine.
Molecular consequence: missense variant.
Genome position (GRCh38, 1-based): chr17:65,558,509, G>C on the plus strand (C>G on the coding strand, the complement: AXIN2 is on the minus strand). VCF-style: chr17-65558509-G-C. GRCh37 (hg19) VCF-style: chr17-63554627-G-C.
Other names: c.112C>G (LRG_296t1); c.112C>G, p.Pro38Ala (NM_001363813.1); short protein forms P38A.
Identifiers: ClinVar variation 239977 (VCV000239977.11), dbSNP rs878854716, ClinGen allele CA10583666.